The following is an entry in ClinVar:

ClinVar aggregate classification (germline): Uncertain significance (1 of 4 stars; one submission).

Submission:

GeneDx
Classification: Uncertain significance. Last evaluated: 2023-11-08. Review status: criteria provided, single submitter. Criteria: GeneDx Variant Classification Process June 2021. Collection method: clinical testing. Allele origin: germline. Affected: yes.
Comment: Not observed at significant frequency in large population cohorts (gnomAD); In silico analysis supports that this missense variant does not alter protein structure/function; Has not been previously published as pathogenic or benign to our knowledge

NM_001170629.2(CHD8):c.6044A>G (p.Gln2015Arg)

Gene: CHD8 (chromodomain helicase DNA binding protein 8; minus strand). Cytogenetic location: 14q11.2.
Variant type: single nucleotide variant.
Coding change: c.6044A>G on transcript NM_001170629.2 (MANE Select); coding-DNA position 6044, A replaced by G.
Protein change: p.Gln2015Arg; replaces glutamine 2015 with arginine.
Molecular consequence: missense variant.
Genome position (GRCh38, 1-based): chr14:21,393,751, T>C on the plus strand (A>G on the coding strand, the complement: CHD8 is on the minus strand). VCF-style: chr14-21393751-T-C. GRCh37 (hg19) VCF-style: chr14-21861910-T-C.
Other names: c.5207A>G, p.Gln1736Arg (NM_020920.4); short protein forms Q1736R, Q2015R.
Identifiers: ClinVar variation 3364067 (VCV003364067.1).